The following is an entry in ClinVar:

NM_004104.5(FASN):c.6595+4C>T

Gene: FASN (fatty acid synthase; minus strand). Cytogenetic location: 17q25.3.
Variant type: single nucleotide variant.
Coding change: c.6595+4C>T on transcript NM_004104.5 (MANE Select); 4 bases into the intron after coding-DNA position 6595, C replaced by T.
Molecular consequence: intron variant.
Genome position (GRCh38, 1-based): chr17:82,081,160, G>A on the plus strand (C>T on the coding strand, the complement: FASN is on the minus strand). VCF-style: chr17-82081160-G-A. GRCh37 (hg19) VCF-style: chr17-80039036-G-A.
Identifiers: ClinVar variation 661671 (VCV000661671.8), dbSNP rs749026558, ClinGen allele CA295203308.

ClinVar aggregate classification (germline): Uncertain significance (1 of 4 stars; one submission).

Conditions:
Epileptic encephalopathy. Identifiers: MedGen C0543888, HP:0200134.

Allele frequency attached by ClinVar (database versions not stated): gnomAD exomes below 0.00001; TOPMed below 0.00001.
gnomAD v4.1: 3 of 1,577,204 alleles (0.00019%); highest among the groups gnomAD compares: South Asian, 0.0012%; no homozygotes.

Submission:

Labcorp Genetics (formerly Invitae), Labcorp
Classification: Uncertain significance for Epileptic encephalopathy. Last evaluated: 2024-02-23. Review status: criteria provided, single submitter. Criteria: Invitae Variant Classification Sherloc (09022015). Collection method: clinical testing. Allele origin: germline.
Comment: This sequence change falls in intron 38 of the FASN gene. It does not directly change the encoded amino acid sequence of the FASN protein. It affects a nucleotide within the consensus splice site. The frequency data for this variant in the population databases is considered unreliable, as metrics indicate poor data quality at this position in the gnomAD database. This variant has not been reported in the literature in individuals affected with FASN-related conditions. ClinVar contains an entry for this variant (Variation ID: 661671). Variants that disrupt the consensus splice site are a relatively common cause of aberrant splicing (PMID: 17576681, 9536098). Algorithms developed to predict the effect of sequence changes on RNA splicing suggest that this variant may create or strengthen a splice site. In summary, the available evidence is currently insufficient to determine the role of this variant in disease. Therefore, it has been classified as a Variant of Uncertain Significance.

Literature cited by the submitters: PubMed 17576681; PubMed 9536098.